The following is an entry in ClinVar:

ClinVar aggregate classification (germline): Uncertain significance. Review status: criteria provided, multiple submitters, no conflicts (2 of 4 stars). 4 submissions from 4 submitters: Uncertain significance (4). Last evaluated 2026-04-16.

Conditions:
Inborn genetic diseases. Identifiers: MedGen C0950123, MeSH D030342.
Recessive dystrophic epidermolysis bullosa (RDEB). Also called: DYSTROPHIC EPIDERMOLYSIS BULLOSA, AUTOSOMAL RECESSIVE; EPIDERMOLYSIS BULLOSA DYSTROPHICA, HALLOPEAU-SIEMENS TYPE; severe generalized recessive dystrophic epidermolysis bullosa; EPIDERMOLYSIS BULLOSA DYSTROPHICA, GENERALIZED SEVERE, AUTOSOMAL RECESSIVE; Recessive DEB (RDEB); Hallopeau-Siemens Disease. Identifiers: Orphanet 79408, Orphanet 79409, MedGen C0079474, MONDO:0009179, OMIM 226600.

Allele frequency attached by ClinVar (database versions not stated): gnomAD 0.00002; TOPMed 0.00004.
gnomAD v4.1: 4 of 1,613,342 alleles (0.00025%); highest among the groups gnomAD compares: African/African-American, 0.0027%; no homozygotes.

Submissions (4):

Women's Health and Genetics/Laboratory Corporation of America, LabCorp
Classification: Uncertain significance. Last evaluated: 2026-04-16. Review status: criteria provided, single submitter. Criteria: LabCorp Variant Classification Summary - May 2015. Collection method: clinical testing. Allele origin: germline.
Comment: Variant summary: COL7A1 c.3587A>G (p.Asp1196Gly) results in a non-conservative amino acid change in the encoded protein sequence. Algorithms developed to predict the effect of missense changes on protein structure and function all suggest that this variant is likely to be disruptive. The variant was absent in 250426 control chromosomes. The available data on variant occurrences in the general population are insufficient to allow any conclusion about variant significance. c.3587A>G has been observed in at least one compound heterozygous individual affected with Dystrophic Epidermolysis Bullosa, Recessive (e.g. Sama_2025). These data do not allow any conclusion about variant significance. To our knowledge, no experimental evidence demonstrating an impact on protein function has been reported. The following publication has been ascertained in the context of this evaluation (PMID: 40025372). ClinVar contains an entry for this variant (Variation ID: 2072907). Based on the evidence outlined above, the variant was classified as uncertain significance.

Myriad Genetics, Inc.
Classification: Uncertain significance for Recessive dystrophic epidermolysis bullosa. Last evaluated: 2025-08-12. Review status: criteria provided, single submitter. Criteria: Myriad Autosomal Dominant, Autosomal Recessive and X-Linked Classification Criteria (2023). Collection method: clinical testing. Allele origin: unknown.
Comment: NM_000094.3(COL7A1):c.3587A>G(D1196G) is a missense variant classified as a variant of uncertain significance in the context of dystrophic epidermolysis bullosa. D1196G has been observed in a case with relevant disease (PMID: 40025372). Relevant functional assessments of this variant are not available in the literature. D1196G has not been observed in referenced population frequency databases. In summary, there is insufficient evidence to classify NM_000094.3(COL7A1):c.3587A>G(D1196G) as pathogenic or benign. Please note: this variant was assessed in the context of healthy population screening.

Ambry Genetics
Classification: Uncertain significance for Inborn genetic diseases. Last evaluated: 2024-03-25. Review status: criteria provided, single submitter. Criteria: Ambry Variant Classification Scheme 2023. Collection method: clinical testing. Allele origin: germline.

Labcorp Genetics (formerly Invitae), Labcorp
Classification: Uncertain significance. Last evaluated: 2022-05-27. Review status: criteria provided, single submitter. Criteria: Invitae Variant Classification Sherloc (09022015). Collection method: clinical testing. Allele origin: germline.
Comment: This sequence change replaces aspartic acid, which is acidic and polar, with glycine, which is neutral and non-polar, at codon 1196 of the COL7A1 protein (p.Asp1196Gly). This variant is not present in population databases (gnomAD no frequency). This variant has not been reported in the literature in individuals affected with COL7A1-related conditions. Advanced modeling of protein sequence and biophysical properties (such as structural, functional, and spatial information, amino acid conservation, physicochemical variation, residue mobility, and thermodynamic stability) performed at Invitae indicates that this missense variant is expected to disrupt COL7A1 protein function. In summary, the available evidence is currently insufficient to determine the role of this variant in disease. Therefore, it has been classified as a Variant of Uncertain Significance.

Literature cited by the submitters: PubMed 40025372 (cited by Women's Health and Genetics/Laboratory Corporation of America, LabCorp and Myriad Genetics, Inc.).

NM_000094.4(COL7A1):c.3587A>G (p.Asp1196Gly)

Gene: COL7A1 (collagen type VII alpha 1 chain; minus strand). Cytogenetic location: 3p21.31.
Variant type: single nucleotide variant.
Coding change: c.3587A>G on transcript NM_000094.4 (MANE Select); coding-DNA position 3587, A replaced by G.
Protein change: p.Asp1196Gly; replaces aspartic acid 1196 with glycine.
Molecular consequence: missense variant.
Genome position (GRCh38, 1-based): chr3:48,586,210, T>C on the plus strand (A>G on the coding strand, the complement: COL7A1 is on the minus strand). VCF-style: chr3-48586210-T-C. GRCh37 (hg19) VCF-style: chr3-48623643-T-C.
Other names: short protein forms D1196G.
Identifiers: ClinVar variation 2072907 (VCV002072907.4), dbSNP rs2045246141, ClinGen allele CA352703685.